The following is an entry in ClinVar:

NM_004526.4(MCM2):c.2609G>A (p.Arg870His)

Genes: MCM2 (minichromosome maintenance complex component 2; plus strand), LOC107986126 (uncharacterized LOC107986126; minus strand). Cytogenetic location: 3q21.3.
Variant type: single nucleotide variant.
Coding change: c.2609G>A on transcript NM_004526.4 (MANE Select); coding-DNA position 2609, G replaced by A.
Protein change: p.Arg870His; replaces arginine 870 with histidine.
Molecular consequence: missense variant. On other transcripts: non-coding transcript variant (1).
Genome position (GRCh38, 1-based): chr3:127,621,667, G>A. VCF-style: chr3-127621667-G-A. GRCh37 (hg19) VCF-style: chr3-127340510-G-A.
Other names: short protein forms R870H.
Identifiers: ClinVar variation 2512051 (VCV002512051.3), dbSNP rs760570626, ClinGen allele CA2596328.

ClinVar aggregate classification (germline): Uncertain significance. Review status: criteria provided, multiple submitters, no conflicts (2 of 4 stars). 2 submissions from 2 submitters: Uncertain significance (2). Last evaluated 2026-05-07.

Allele frequency attached by ClinVar (database versions not stated): gnomAD exomes 0.00001.
gnomAD v4.1: 18 of 1,611,588 alleles (0.0011%); highest among the groups gnomAD compares: South Asian, 0.012%; no homozygotes.

Submissions (2):

Women's Health and Genetics/Laboratory Corporation of America, LabCorp
Classification: Uncertain significance. Last evaluated: 2026-05-07. Review status: criteria provided, single submitter. Criteria: LabCorp Variant Classification Summary - May 2015. Collection method: clinical testing. Allele origin: germline.
Comment: Variant summary: MCM2 c.2609G>A (p.Arg870His) results in a non-conservative amino acid change in the encoded protein sequence. Algorithms developed to predict the effect of missense changes on protein structure and function all suggest that this variant is likely to be disruptive. The variant allele was found at a frequency of 3.2e-05 in 249664 control chromosomes. The available data on variant occurrences in the general population are insufficient to allow any conclusion about variant significance. To our knowledge, no occurrence of c.2609G>A in individuals affected with MCM2-related conditions and no experimental evidence demonstrating its impact on protein function have been reported. ClinVar contains an entry for this variant (Variation ID: 2512051). Based on the evidence outlined above, the variant was classified as uncertain significance.

Ambry Genetics
Classification: Uncertain significance. Last evaluated: 2023-05-25. Review status: criteria provided, single submitter. Criteria: Ambry Variant Classification Scheme 2023. Collection method: clinical testing. Allele origin: germline.